The following is an entry in ClinVar:

NM_000465.4(BARD1):c.1464C>T (p.Asn488=)

Gene: BARD1 (BRCA1 associated RING domain 1; minus strand). Cytogenetic location: 2q35.
Variant type: single nucleotide variant.
Coding change: c.1464C>T on transcript NM_000465.4 (MANE Select); coding-DNA position 1464, C replaced by T.
Protein change: p.Asn488=; no amino-acid change (asparagine 488 retained).
Molecular consequence: synonymous variant. On other transcripts: non-coding transcript variant (3), intron variant (3).
Genome position (GRCh38, 1-based): chr2:214,767,586, G>A on the plus strand (C>T on the coding strand, the complement: BARD1 is on the minus strand). VCF-style: chr2-214767586-G-A. GRCh37 (hg19) VCF-style: chr2-215632310-G-A.
Other names: c.1407C>T, p.Asn469= (NM_001282543.2); c.159-15031C>T (NM_001282548.2); c.216-15031C>T (NM_001282545.2); c.364+24711C>T (NM_001282549.2).
Identifiers: ClinVar variation 1123004 (VCV001123004.13), dbSNP rs1694271901, ClinGen allele CA431129553.

ClinVar aggregate classification (germline): Benign/Likely benign. Review status: criteria provided, multiple submitters, no conflicts (2 of 4 stars). 3 submissions from 3 submitters: Benign (1); Likely benign (2). Last evaluated 2025-01-14.

Conditions:
Hereditary cancer-predisposing syndrome. Also called: Hereditary neoplastic syndrome; Neoplastic Syndromes, Hereditary; Tumor predisposition; Hereditary Cancer Syndrome. Identifiers: Orphanet 140162, MedGen C0027672, MeSH D009386, MONDO:0015356.
Familial cancer of breast. Also called: BREAST CANCER, FAMILIAL; hereditary breast carcinoma; Hereditary breast cancer. Identifiers: Orphanet 227535, MedGen C0346153, MONDO:0016419, OMIM 114480. Disease mechanism: loss of function.

Allele frequency attached by ClinVar (database versions not stated): gnomAD exomes below 0.00001; TOPMed below 0.00001.
gnomAD v4.1: 2 of 1,614,068 alleles (0.00012%); highest among the groups gnomAD compares: Non-Finnish European, 0.00017%; no homozygotes.

Submissions (3):

Labcorp Genetics (formerly Invitae), Labcorp
Classification: Likely benign for Familial cancer of breast. Last evaluated: 2025-01-14. Review status: criteria provided, single submitter. Criteria: Invitae Variant Classification Sherloc (09022015). Collection method: clinical testing. Allele origin: germline.

Myriad Genetics, Inc.
Classification: Benign for Familial cancer of breast. Last evaluated: 2024-07-25. Review status: criteria provided, single submitter. Criteria: Myriad Autosomal Dominant, Autosomal Recessive and X-Linked Classification Criteria (2023). Collection method: clinical testing. Allele origin: unknown.
Comment: This variant is considered benign. This variant is a silent/synonymous amino acid change and it is not expected to impact splicing.

Ambry Genetics
Classification: Likely benign for Hereditary cancer-predisposing syndrome. Last evaluated: 2021-06-25. Review status: criteria provided, single submitter. Criteria: Ambry Variant Classification Scheme 2023. Collection method: clinical testing. Allele origin: germline.